The following is an entry in ClinVar:

ClinVar aggregate classification (germline): Pathogenic (1 of 4 stars; one submission).

Conditions:
UDPglucose-4-epimerase deficiency. Also called: GALACTOSEMIA III; GALE DEFICIENCY; Galactose epimerase deficiency; UDP-GALACTOSE-4-EPIMERASE DEFICIENCY; Epimerase Deficiency Galactosemia; UDPglucose 4-Epimerase Deficiency Disease. Identifiers: Orphanet 352, Orphanet 79238, MedGen C0751161, MONDO:0009257, OMIM 230350.

Submission:

Women's Health and Genetics/Laboratory Corporation of America, LabCorp
Classification: Pathogenic for UDPglucose-4-epimerase deficiency. Last evaluated: 2024-10-14. Review status: criteria provided, single submitter. Criteria: LabCorp Variant Classification Summary - May 2015. Collection method: clinical testing. Allele origin: germline.
Comment: Variant summary: GALE c.264delT (p.Phe88LeufsX22) results in a premature termination codon, predicted to cause a truncation of the encoded protein or absence of the protein due to nonsense mediated decay, which are commonly known mechanisms for disease. The frequency data for this variant in gnomAD is considered unreliable, as metrics indicate poor data quality at this position. c.264delT has been reported in the literature in the heterozygous state in at least 1 individual affected with tested positive for galactosemia on newborn screening (example, Park_2016). These report(s) do not provide unequivocal conclusions about association of the variant with UDPglucose-4-Epimerase Deficiency. The following publication has been ascertained in the context of this evaluation (PMID: 27578510). No submitters have cited clinical-significance assessments for this variant to ClinVar. Based on the evidence outlined above, the variant was classified as pathogenic.

Literature cited by the submitters: PubMed 27578510.

NM_001008216.2(GALE):c.264del (p.Phe88fs)

Gene: GALE (UDP-galactose-4-epimerase; minus strand). Cytogenetic location: 1p36.11.
Variant type: Deletion.
Coding change: c.264del on transcript NM_001008216.2 (MANE Select); coding-DNA position 264, one base deleted (T; older notation c.264delT).
Protein change: p.Phe88fs; shifts the reading frame from phenylalanine 88.
Molecular consequence: frameshift variant.
Genome position (GRCh38, 1-based): chr1:23,798,204, A deleted on the plus strand (T on the coding strand, the reverse complement: GALE is on the minus strand); the first of 3 consecutive A bases (chr1:23,798,204-23,798,206); deleting any one gives the same sequence. VCF-style (leftmost placement, unchanged base first): chr1-23798203-CA-C. GRCh37 (hg19) VCF-style: chr1-24124693-CA-C.
Other names: c.264delT (NM_000403.4); c.264del, p.Phe88fs (NM_000403.4, NM_001127621.2); short protein forms F88fs.
Identifiers: ClinVar variation 3384691 (VCV003384691.1).